The following is an entry in ClinVar:

ClinVar aggregate classification (germline): Likely benign (0 of 4 stars; one submission).

Conditions:
HTR2C-related disorder. Also called: HTR2C-related condition.

gnomAD v4.1: 6 of 1,209,333 alleles (0.0005%); highest among the groups gnomAD compares: South Asian, 0.0018%; no homozygotes.

Submission:

PreventionGenetics, part of Exact Sciences
Classification: Likely benign for HTR2C-related condition. Last evaluated: 2024-03-29. Review status: no assertion criteria provided. Collection method: clinical testing. Allele origin: germline.
Comment: This variant is classified as likely benign based on ACMG/AMP sequence variant interpretation guidelines (Richards et al. 2015 PMID: 25741868, with internal and published modifications).

NM_000868.4(HTR2C):c.384C>T (p.Pro128=)

Gene: HTR2C (5-hydroxytryptamine receptor 2C; plus strand). Cytogenetic location: Xq23.
Variant type: single nucleotide variant.
Coding change: c.384C>T on transcript NM_000868.4 (MANE Select); coding-DNA position 384, C replaced by T.
Protein change: p.Pro128=; no amino-acid change (proline 128 retained).
Molecular consequence: synonymous variant.
Genome position (GRCh38, 1-based): chrX:114,848,037, C>T. VCF-style: chrX-114848037-C-T. GRCh37 (hg19) VCF-style: chrX-114082600-C-T.
Other names: c.384C>T, p.Pro128= (NM_001256760.3, NM_001256761.3).
Identifiers: ClinVar variation 3352988 (VCV003352988.1).